The following is an entry in ClinVar:

ClinVar aggregate classification (germline): Likely benign. Review status: criteria provided, multiple submitters, no conflicts (2 of 4 stars). 3 submissions from 3 submitters: Likely benign (2). 1 of the submissions does not count toward it. Last evaluated 2023-10-17.

Conditions:
FGFR1-related disorder. Also called: FGFR1-related condition; FGFR1-related disorders. Identifiers: MedGen CN380097.
Pfeiffer syndrome (ACS5). Also called: ACS V. Identifiers: Orphanet 710, MedGen C0220658, MONDO:0007043, OMIM 101600.
Hypogonadotropic hypogonadism 2 with or without anosmia (HH2). Also called: HYPOGONADOTROPIC HYPOGONADISM 2 WITHOUT ANOSMIA; HYPOGONADOTROPIC HYPOGONADISM 2 WITH OR WITHOUT ANOSMIA, SUSCEPTIBILITY TO; HYPOGONADOTROPIC HYPOGONADISM 2 WITHOUT ANOSMIA, SUSCEPTIBILITY TO; FGFR1-Related GnRH Deficiency (Kallmann Syndrome 2). Identifiers: Orphanet 478, MedGen C1563720, MONDO:0007844, OMIM 147950. Disease mechanism: loss of function.

Allele frequency attached by ClinVar (database versions not stated): gnomAD exomes 0.00001; ExAC 0.00003; TOPMed 0.00003; gnomAD 0.00005; ESP Exome Variant Server 0.00008.
gnomAD v4.1: 28 of 1,613,854 alleles (0.0017%); highest among the groups gnomAD compares: East Asian, 0.0045%; no homozygotes.

Submissions (3):

Labcorp Genetics (formerly Invitae), Labcorp
Classification: Likely benign for Pfeiffer syndrome; Hypogonadotropic hypogonadism 2 with or without anosmia. Last evaluated: 2023-10-17. Review status: criteria provided, single submitter. Criteria: Invitae Variant Classification Sherloc (09022015). Collection method: clinical testing. Allele origin: germline.

CeGaT Center for Human Genetics Tuebingen
Classification: Likely benign. Last evaluated: 2023-02-01. Review status: criteria provided, single submitter. Criteria: CeGaT Center For Human Genetics Tuebingen Variant Classification Criteria Version 2. Collection method: clinical testing. Allele origin: germline. Affected: yes. Observed: 1 variant allele.
Comment: FGFR1: BP4, BP7

PreventionGenetics, part of Exact Sciences
Classification: Likely benign for FGFR1-related condition. Last evaluated: 2019-06-25. Review status: no assertion criteria provided. Collection method: clinical testing. Allele origin: germline. Not counted in ClinVar's aggregate classification.
Comment: This variant is classified as likely benign based on ACMG/AMP sequence variant interpretation guidelines (Richards et al. 2015 PMID: 25741868, with internal and published modifications).

NM_023110.3(FGFR1):c.207C>T (p.Asp69=)

Gene: FGFR1 (fibroblast growth factor receptor 1; minus strand). Cytogenetic location: 8p11.23.
Variant type: single nucleotide variant.
Coding change: c.207C>T on transcript NM_023110.3 (MANE Select); coding-DNA position 207, C replaced by T.
Protein change: p.Asp69=; no amino-acid change (aspartic acid 69 retained).
Molecular consequence: synonymous variant. On other transcripts: intron variant (5).
Genome position (GRCh38, 1-based): chr8:38,429,833, G>A on the plus strand (C>T on the coding strand, the complement: FGFR1 is on the minus strand). VCF-style: chr8-38429833-G-A. GRCh37 (hg19) VCF-style: chr8-38287351-G-A.
Other names: c.207C>T, p.Asp69= (NM_000604.2, NM_001174063.2, NM_001174065.2 and 4 more transcripts); c.183C>T, p.Asp61= (NM_001174064.2); c.306C>T, p.Asp102= (NM_001174067.2); c.92-1398C>T (NM_001354368.2, NM_001354370.2, NM_023106.3 and 2 more transcripts).
Identifiers: ClinVar variation 2658551 (VCV002658551.28), dbSNP rs145220136, ClinGen allele CA4718854.